The following is an entry in ClinVar:

NM_000079.4(CHRNA1):c.1074C>A (p.Asp358Glu)

Gene: CHRNA1 (cholinergic receptor nicotinic alpha 1 subunit; minus strand). Cytogenetic location: 2q31.1.
Variant type: single nucleotide variant.
Coding change: c.1074C>A on transcript NM_000079.4 (MANE Select); coding-DNA position 1074, C replaced by A.
Protein change: p.Asp358Glu; replaces aspartic acid 358 with glutamic acid.
Molecular consequence: missense variant.
Genome position (GRCh38, 1-based): chr2:174,748,748, G>T on the plus strand (C>A on the coding strand, the complement: CHRNA1 is on the minus strand). VCF-style: chr2-174748748-G-T. GRCh37 (hg19) VCF-style: chr2-175613476-G-T.
Other names: c.1149C>A, p.Asp383Glu (NM_001039523.3); short protein forms D358E, D383E.
Identifiers: ClinVar variation 4746194 (VCV004746194.1).

ClinVar aggregate classification (germline): Uncertain significance (1 of 4 stars; one submission).

Conditions:
Lethal multiple pterygium syndrome (LMPS). Identifiers: Orphanet 33108, MedGen C1854678, MONDO:0009668, OMIM 253290.

gnomAD v4.1: 6 of 1,614,158 alleles (0.00037%); highest among the groups gnomAD compares: Non-Finnish European, 0.00042%; no homozygotes.

Submission:

Labcorp Genetics (formerly Invitae), Labcorp
Classification: Uncertain significance for Lethal multiple pterygium syndrome. Last evaluated: 2025-11-18. Review status: criteria provided, single submitter. Criteria: Invitae Variant Classification Sherloc (09022015). Collection method: clinical testing. Allele origin: germline.
Comment: This sequence change replaces aspartic acid, which is acidic and polar, with glutamic acid, which is acidic and polar, at codon 358 of the CHRNA1 protein (p.Asp358Glu). This variant is present in population databases (rs773564310, gnomAD 0.004%). This variant has not been reported in the literature in individuals affected with CHRNA1-related conditions. Invitae Evidence Modeling of protein sequence and biophysical properties (such as structural, functional, and spatial information, amino acid conservation, physicochemical variation, residue mobility, and thermodynamic stability) indicates that this missense variant is not expected to disrupt CHRNA1 protein function with a negative predictive value of 80%. In summary, the available evidence is currently insufficient to determine the role of this variant in disease. Therefore, it has been classified as a Variant of Uncertain Significance.